The following is an entry in ClinVar:

ClinVar aggregate classification (germline): Uncertain significance (1 of 4 stars; one submission).

Conditions:
Hereditary cancer-predisposing syndrome. Also called: Tumor predisposition; Hereditary neoplastic syndrome; Hereditary Cancer Syndrome; Neoplastic Syndromes, Hereditary. Identifiers: Orphanet 140162, MedGen C0027672, MeSH D009386, MONDO:0015356.

Submission:

Ambry Genetics
Classification: Uncertain significance for Hereditary cancer-predisposing syndrome. Last evaluated: 2025-05-21. Review status: criteria provided, single submitter. Criteria: Ambry Variant Classification Scheme 2023. Collection method: clinical testing. Allele origin: germline.
Comment: The c.-5G>T variant is located in the 5' untranslated region (5&rsquo; UTR) of the RET gene. This variant results from a G to T substitution 5 bases upstream from the first translated codon. This nucleotide position is well conserved in available vertebrate species. Based on the available evidence, the clinical significance of this variant remains unclear.

NM_020975.6(RET):c.-5G>T

Genes: RET (ret proto-oncogene; plus strand), LOC106736614 (RET 5' regulatory region; plus strand). Cytogenetic location: 10q11.21.
Variant type: single nucleotide variant.
Coding change: c.-5G>T on transcript NM_020975.6 (MANE Select); 5 bases upstream of the start codon, G replaced by T.
Molecular consequence: 5 prime UTR variant.
Genome position (GRCh38, 1-based): chr10:43,077,254, G>T. VCF-style: chr10-43077254-G-T. GRCh37 (hg19) VCF-style: chr10-43572702-G-T.
Other names: c.-5G>T (NM_001406743.1, NM_001406744.1, NM_001406759.1 and 36 more transcripts).
Identifiers: ClinVar variation 3944673 (VCV003944673.1).